The following is an entry in ClinVar:

NM_001379291.1(BRD4):c.2026C>T (p.Arg676Trp)

Gene: BRD4 (bromodomain containing 4; minus strand). Cytogenetic location: 19p13.12.
Variant type: single nucleotide variant.
Coding change: c.2026C>T on transcript NM_001379291.1 (MANE Select); coding-DNA position 2026, C replaced by T.
Protein change: p.Arg676Trp; replaces arginine 676 with tryptophan.
Molecular consequence: missense variant.
Genome position (GRCh38, 1-based): chr19:15,255,318, G>A on the plus strand (C>T on the coding strand, the complement: BRD4 is on the minus strand). VCF-style: chr19-15255318-G-A. GRCh37 (hg19) VCF-style: chr19-15366129-G-A.
Other names: c.2026C>T, p.Arg676Trp (NM_001330384.2, NM_001379292.1, NM_014299.3 and 1 more transcripts); short protein forms R676W.
Identifiers: ClinVar variation 2867683 (VCV002867683.3), dbSNP rs1468704458, ClinGen allele CA404518405.

ClinVar aggregate classification (germline): Uncertain significance (1 of 4 stars; one submission).

Allele frequency attached by ClinVar (database versions not stated): TOPMed below 0.00001; gnomAD 0.00001.
gnomAD v4.1: 6 of 1,612,756 alleles (0.00037%); highest among the groups gnomAD compares: Middle Eastern, 0.016%; no homozygotes.

Submission:

Labcorp Genetics (formerly Invitae), Labcorp
Classification: Uncertain significance. Last evaluated: 2025-10-16. Review status: criteria provided, single submitter. Criteria: Invitae Variant Classification Sherloc (09022015). Collection method: clinical testing. Allele origin: germline.
Comment: This sequence change replaces arginine, which is basic and polar, with tryptophan, which is neutral and slightly polar, at codon 676 of the BRD4 protein (p.Arg676Trp). This variant is present in population databases (no rsID available, gnomAD 0.007%). This variant has not been reported in the literature in individuals affected with BRD4-related conditions. ClinVar contains an entry for this variant (Variation ID: 2867683). Invitae Evidence Modeling of protein sequence and biophysical properties (such as structural, functional, and spatial information, amino acid conservation, physicochemical variation, residue mobility, and thermodynamic stability) has been performed for this missense variant. However, the output from this modeling did not meet the statistical confidence thresholds required to predict the impact of this variant on BRD4 protein function. In summary, the available evidence is currently insufficient to determine the role of this variant in disease. Therefore, it has been classified as a Variant of Uncertain Significance.